The following is an entry in ClinVar:

NM_002788.4(PSMA3):c.316A>G (p.Asn106Asp)

Gene: PSMA3 (proteasome 20S subunit alpha 3; plus strand). Cytogenetic location: 14q23.1.
Variant type: single nucleotide variant.
Coding change: c.316A>G on transcript NM_002788.4 (MANE Select); coding-DNA position 316, A replaced by G.
Protein change: p.Asn106Asp; replaces asparagine 106 with aspartic acid.
Molecular consequence: missense variant. On other transcripts: non-coding transcript variant (1).
Genome position (GRCh38, 1-based): chr14:58,257,832, A>G. VCF-style: chr14-58257832-A-G. GRCh37 (hg19) VCF-style: chr14-58724550-A-G.
Other names: c.316A>G, p.Asn106Asp (NM_152132.3); short protein forms N106D.
Identifiers: ClinVar variation 2887769 (VCV002887769.3), dbSNP rs766332501, ClinGen allele CA7203720.
Genomic context (GRCh38, chr14:58,257,832, plus strand): 5'-CGTTCTTTAGCAGACATAGCAAGAGAAGAAGCTTCCAACTTCAGATCTAACTTTGGCTAC[A>G]ACATTCCACTAAAAGTAAGTTGATAACATATTGAGGAACCTTTTGGACAGTAATAGAAGT-3'
Protein context (NP_002779.1, residues 96-116): ASNFRSNFGY[Asn106Asp]IPLKHLADRV

ClinVar aggregate classification (germline): Uncertain significance (1 of 4 stars; one submission).

Allele frequency attached by ClinVar (database versions not stated): TOPMed below 0.00001; ExAC 0.00005.
gnomAD v4.1: 20 of 1,613,566 alleles (0.0012%); highest among the groups gnomAD compares: Non-Finnish European, 0.0015%; no homozygotes.

Submission:

Labcorp Genetics (formerly Invitae), Labcorp
Classification: Uncertain significance. Last evaluated: 2025-08-23. Review status: criteria provided, single submitter. Criteria: Invitae Variant Classification Sherloc (09022015). Collection method: clinical testing. Allele origin: germline.
Comment: This sequence change replaces asparagine, which is neutral and polar, with aspartic acid, which is acidic and polar, at codon 106 of the PSMA3 protein (p.Asn106Asp). This variant is present in population databases (rs766332501, gnomAD 0.006%). This variant has not been reported in the literature in individuals affected with PSMA3-related conditions. ClinVar contains an entry for this variant (Variation ID: 2887769). An algorithm developed to predict the effect of missense changes on protein structure and function outputs the following: PolyPhen-2: "Benign". The aspartic acid amino acid residue is found in multiple mammalian species, which suggests that this missense change does not adversely affect protein function. In summary, the available evidence is currently insufficient to determine the role of this variant in disease. Therefore, it has been classified as a Variant of Uncertain Significance.